The following is an entry in ClinVar:

ClinVar aggregate classification (germline): Likely pathogenic (1 of 4 stars; one submission).

Conditions:
Duchenne muscular dystrophy (DMD). Also called: MUSCULAR DYSTROPHY, PSEUDOHYPERTROPHIC PROGRESSIVE, DUCHENNE TYPE; Duchenne Muscular Dystrophy (DMD). Identifiers: Orphanet 98896, MedGen C0013264, MONDO:0010679, OMIM 310200.

Submission:

Labcorp Genetics (formerly Invitae), Labcorp
Classification: Likely pathogenic for Duchenne muscular dystrophy. Last evaluated: 2025-10-07. Review status: criteria provided, single submitter. Criteria: Invitae Variant Classification Sherloc (09022015). Collection method: clinical testing. Allele origin: germline.
Comment: This variant results in the deletion of part of exon 45 (c.6614_6614+9del) of the DMD gene. It is expected to disrupt RNA splicing. Variants that disrupt the donor or acceptor splice site typically lead to a loss of protein function (PMID: 16199547), and loss-of-function variants in DMD are known to be pathogenic (PMID: 16770791, 25007885). This variant is not present in population databases (gnomAD no frequency). This variant has not been reported in the literature in individuals affected with DMD-related conditions. Algorithms developed to predict the effect of sequence changes on RNA splicing suggest that this variant may disrupt the consensus splice site. In summary, the currently available evidence indicates that the variant is pathogenic, but additional data are needed to prove that conclusively. Therefore, this variant has been classified as Likely Pathogenic.

Literature cited by the submitters: PubMed 16199547; PubMed 16770791; PubMed 25007885.

NM_004006.3(DMD):c.6614_6614+9del

Gene: DMD (dystrophin; minus strand). Cytogenetic location: Xp21.1.
Variant type: Deletion.
Coding change: c.6614_6614+9del on transcript NM_004006.3 (MANE Select); coding-DNA position 6614 through 9 bases into the intron after coding-DNA position 6614, 10 bases deleted (GGTAGGGCGA; older notation c.6614_6614+9delGGTAGGGCGA).
Molecular consequence: splice donor variant.
Genome position (GRCh38, 1-based): chrX:31,968,330-31,968,339, TCGCCCTACC deleted on the plus strand (GGTAGGGCGA on the coding strand, the reverse complement: DMD is on the minus strand); deleting any 10 consecutive bases within chrX:31,968,330-31,968,341 gives the same sequence; the c. name uses the placement nearest the transcript's 3' end. VCF-style (leftmost placement, unchanged base first): chrX-31968329-GTCGCCCTACC-G. GRCh37 (hg19) VCF-style: chrX-31986446-GTCGCCCTACC-G.
Other names: c.6590_6590+9del (NM_000109.4); c.2591_2591+9del (NM_004011.4); c.2582_2582+9del (NM_004012.4); c.-767_-767+9del (NM_004023.3, NM_004020.4, NM_004022.3 and 2 more transcripts); c.6602_6602+9del (NM_004009.3); c.6245_6245+9del (NM_004010.3).
Identifiers: ClinVar variation 4728036 (VCV004728036.1).